The following is an entry in ClinVar:

ClinVar aggregate classification (germline): Benign (1 of 4 stars; one submission).

Conditions:
Lung cancer. Also called: Lung cancer, somatic; Malignant tumor of lung. Identifiers: MedGen C0242379, MONDO:0008903, OMIM 211980.

Submission:

Myriad Genetics, Inc.
Classification: Benign for Lung cancer. Last evaluated: 2024-10-16. Review status: criteria provided, single submitter. Criteria: Myriad Autosomal Dominant, Autosomal Recessive and X-Linked Classification Criteria (2023). Collection method: clinical testing. Allele origin: unknown.
Comment: This variant is considered benign. This variant is a silent/synonymous amino acid change and it is not expected to impact splicing.

NM_005228.5(EGFR):c.2403T>C (p.Tyr801=)

Genes: EGFR (epidermal growth factor receptor; plus strand), EGFR-AS1 (EGFR antisense RNA 1; minus strand). Cytogenetic location: 7p11.2.
Variant type: single nucleotide variant.
Coding change: c.2403T>C on transcript NM_005228.5 (MANE Select); coding-DNA position 2403, T replaced by C.
Protein change: p.Tyr801=; no amino-acid change (tyrosine 801 retained).
Molecular consequence: synonymous variant. On other transcripts: non-coding transcript variant (1).
Genome position (GRCh38, 1-based): chr7:55,181,412, T>C. VCF-style: chr7-55181412-T-C. GRCh37 (hg19) VCF-style: chr7-55249105-T-C.
Other names: c.2268T>C, p.Tyr756= (NM_001346897.2, NM_001346899.2); c.2403T>C, p.Tyr801= (NM_001346898.2); c.2244T>C, p.Tyr748= (NM_001346900.2); c.1602T>C, p.Tyr534= (NM_001346941.2).
Identifiers: ClinVar variation 3773212 (VCV003773212.1).
Genomic context (GRCh38, chr7:55,181,412, plus strand): 5'-CCTCACCTCCACCGTGCAGCTCATCACGCAGCTCATGCCCTTCGGCTGCCTCCTGGACTA[T>C]GTCCGGGAACACAAAGACAATATTGGCTCCCAGTACCTGCTCAACTGGTGTGTGCAGATC-3'
Protein context (NP_005219.2, residues 791-811): QLMPFGCLLD[Tyr801=]VREHKDNIGS